The following is an entry in ClinVar:

NC_000007.13:g.(?_6026370)_(6080870_?)del

Genes: EIF2AK1 (eukaryotic translation initiation factor 2 alpha kinase 1; minus strand), PMS2 (PMS1 homolog 2, mismatch repair system component; minus strand), AIMP2 (aminoacyl tRNA synthetase complex interacting multifunctional protein 2; plus strand). Cytogenetic location: 7p22.1.
Variant type: Deletion.
Identifiers: ClinVar variation 2445503 (VCV002445503.2).

ClinVar aggregate classification (germline): Uncertain significance (1 of 4 stars; one submission).

Submission:

Labcorp Genetics (formerly Invitae), Labcorp
Classification: Uncertain significance. Last evaluated: 2022-08-31. Review status: criteria provided, single submitter. Criteria: Invitae Variant Classification Sherloc (09022015). Collection method: clinical testing. Allele origin: germline.
Comment: In summary, the available evidence is currently insufficient to determine the role of this variant in disease. Therefore, it has been classified as a Variant of Uncertain Significance. This variant has not been reported in the literature in individuals affected with EIF2AK1-related conditions. This variant is a gross deletion of the genomic region encompassing exon(s) 9-15 of the EIF2AK1 gene, which includes the termination codon. This deletion extends beyond the assayed region for this gene and therefore may encompass additional genes. While this deletion is not anticipated to lead to nonsense mediated decay, it is expected to alter mRNA translation or result in a truncated protein product.